The following is an entry in ClinVar:

ClinVar aggregate classification (germline): Likely pathogenic (1 of 4 stars; one submission).

Submission:

Mayo Clinic Laboratories, Mayo Clinic
Classification: Likely pathogenic. Last evaluated: 2024-01-03. Review status: criteria provided, single submitter. Criteria: ACMG Guidelines, 2015. Collection method: clinical testing. Allele origin: germline. Observed: 1 variant allele.
Comment: PM2, PVS1

NM_017802.4(DNAAF5):c.1433_1434dup (p.Leu479fs)

Gene: DNAAF5 (dynein axonemal assembly factor 5; plus strand). Cytogenetic location: 7p22.3.
Variant type: Microsatellite.
Coding change: c.1433_1434dup on transcript NM_017802.4 (MANE Select); coding-DNA positions 1433 to 1434, 2 bases duplicated (AG; older notation c.1433_1434dupAG).
Protein change: p.Leu479fs; shifts the reading frame from leucine 479.
Molecular consequence: frameshift variant. On other transcripts: non-coding transcript variant (1).
Genome position (GRCh38, 1-based): chr7:756,957-756,958, AG duplicated; duplicating any 2 consecutive bases within chr7:756,955-756,958 gives the same sequence; the c. name uses the placement nearest the transcript's 3' end. VCF-style (leftmost placement, unchanged base first): chr7-756954-C-CAG. GRCh37 (hg19) VCF-style: chr7-796591-C-CAG.
Other names: p.Leu479Serfs*47; short protein forms L479fs.
Identifiers: ClinVar variation 3381020 (VCV003381020.1).